The following is an entry in ClinVar:

NM_001040142.2(SCN2A):c.2967C>A (p.Asp989Glu)

Gene: SCN2A (sodium voltage-gated channel alpha subunit 2; plus strand). Cytogenetic location: 2q24.3.
Variant type: single nucleotide variant.
Coding change: c.2967C>A on transcript NM_001040142.2 (MANE Select); coding-DNA position 2967, C replaced by A.
Protein change: p.Asp989Glu; replaces aspartic acid 989 with glutamic acid.
Molecular consequence: missense variant.
Genome position (GRCh38, 1-based): chr2:165,354,239, C>A. VCF-style: chr2-165354239-C-A. GRCh37 (hg19) VCF-style: chr2-166210749-C-A.
Other names: c.2967C>A, p.Asp989Glu (NM_001040143.2, NM_001371246.1, NM_001371247.1 and 1 more transcripts); short protein forms D989E.
Identifiers: ClinVar variation 4293158 (VCV004293158.1).
Genomic context (GRCh38, chr2:165,354,239, plus strand): 5'-TGCTGTGTTTCAGGTTCTGAACCTCTTCTTGGCCTTGCTTTTGAGTTCCTTCAGTTCTGA[C>A]AATCTTGCTGCCACTGATGATGATAACGAAATGAATAATCTCCAGATTGCTGTGGGAAGG-3'
Protein context (NP_001035232.1, residues 979-999): LALLLSSFSS[Asp989Glu]NLAATDDDNE

ClinVar aggregate classification (germline): Uncertain significance (1 of 4 stars; one submission).

Conditions:
Developmental and epileptic encephalopathy, 11 (DEE11). Also called: Early infantile epileptic encephalopathy 11. Identifiers: Orphanet 1934, MedGen C3150987, MONDO:0013388, OMIM 613721.

Submission:

3billion
Classification: Uncertain significance for Developmental and epileptic encephalopathy, 11. Last evaluated: 2024-06-28. Review status: criteria provided, single submitter. Criteria: ACMG Guidelines, 2015. Collection method: clinical testing. Allele origin: germline. Affected: yes.
Comment: The variant is not observed in the gnomAD v4.0.0 dataset. Predicted Consequence/Location: Missense variant In silico tool predictions suggest damaging effect of the variant on gene or gene product [3Cnet: 0.66 (>=0.6, sensitivity 0.72 and precision 0.9)]. Therefore, this variant is classified as VUS according to the recommendation of ACMG/AMP guideline.